The following is an entry in ClinVar:

ClinVar aggregate classification (germline): Conflicting classifications of pathogenicity. Review status: criteria provided, conflicting classifications (1 of 4 stars). 4 submissions from 4 submitters: Uncertain significance (3); Likely benign (1). Last evaluated 2025-09-20.

Conditions:
Hereditary cancer-predisposing syndrome. Also called: Neoplastic Syndromes, Hereditary; Tumor predisposition; Hereditary Cancer Syndrome; Hereditary neoplastic syndrome. Identifiers: Orphanet 140162, MedGen C0027672, MeSH D009386, MONDO:0015356.
Familial cancer of breast. Also called: Hereditary breast cancer; BREAST CANCER, FAMILIAL; hereditary breast carcinoma. Identifiers: Orphanet 227535, MedGen C0346153, MONDO:0016419, OMIM 114480. Disease mechanism: loss of function.
Fanconi anemia complementation group J. Also called: BRIP1-Related Fanconi Anemia. Identifiers: Orphanet 84, MedGen C1836860, MONDO:0012187, OMIM 609054.

Allele frequency attached by ClinVar (database versions not stated): gnomAD exomes below 0.00001; TOPMed below 0.00001; gnomAD 0.00001.
gnomAD v4.1: 1 of 1,613,698 alleles (0.000062%); highest among the groups gnomAD compares: African/African-American, 0.0013%; no homozygotes.

Submissions (4):

Labcorp Genetics (formerly Invitae), Labcorp
Classification: Likely benign for Familial cancer of breast; Fanconi anemia complementation group J. Last evaluated: 2025-09-20. Review status: criteria provided, single submitter. Criteria: Invitae Variant Classification Sherloc (09022015). Collection method: clinical testing. Allele origin: germline.

Ambry Genetics
Classification: Uncertain significance for Hereditary cancer-predisposing syndrome. Last evaluated: 2024-05-19. Review status: criteria provided, single submitter. Criteria: Ambry Variant Classification Scheme 2023. Collection method: clinical testing. Allele origin: germline.
Comment: The p.K979R variant (also known as c.2936A>G), located in coding exon 19 of the BRIP1 gene, results from an A to G substitution at nucleotide position 2936. The lysine at codon 979 is replaced by arginine, an amino acid with highly similar properties. This amino acid position is not well conserved in available vertebrate species. In addition, this alteration is predicted to be tolerated by in silico analysis. Since supporting evidence is limited at this time, the clinical significance of this alteration remains unclear.

Color Diagnostics, LLC DBA Color Health
Classification: Uncertain significance for Hereditary cancer-predisposing syndrome. Last evaluated: 2024-01-14. Review status: criteria provided, single submitter. Criteria: ACMG Guidelines, 2015. Collection method: clinical testing. Allele origin: germline.
Comment: This missense variant replaces lysine with arginine at codon 979 of the BRIP1 protein. Computational prediction suggests that this variant may not impact protein structure and function (internally defined REVEL score threshold <= 0.5, PMID: 27666373). To our knowledge, functional studies have not been reported for this variant. This variant has not been reported in individuals affected with BRIP1-related disorders in the literature. This variant has not been identified in the general population by the Genome Aggregation Database (gnomAD). The available evidence is insufficient to determine the role of this variant in disease conclusively. Therefore, this variant is classified as a Variant of Uncertain Significance.

Baylor Genetics
Classification: Uncertain significance for Familial cancer of breast. Last evaluated: 2023-06-02. Review status: criteria provided, single submitter. Criteria: ACMG Guidelines, 2015. Collection method: clinical testing. Allele origin: unknown.

NM_032043.3(BRIP1):c.2936A>G (p.Lys979Arg)

Gene: BRIP1 (BRCA1 interacting DNA helicase 1; minus strand). Cytogenetic location: 17q23.2.
Variant type: single nucleotide variant.
Coding change: c.2936A>G on transcript NM_032043.3 (MANE Select); coding-DNA position 2936, A replaced by G.
Protein change: p.Lys979Arg; replaces lysine 979 with arginine.
Molecular consequence: missense variant.
Genome position (GRCh38, 1-based): chr17:61,684,110, T>C on the plus strand (A>G on the coding strand, the complement: BRIP1 is on the minus strand). VCF-style: chr17-61684110-T-C. GRCh37 (hg19) VCF-style: chr17-59761471-T-C.
Other names: short protein forms K979R.
Identifiers: ClinVar variation 1128307 (VCV001128307.15), dbSNP rs2061326120, ClinGen allele CA400480710.